The following is an entry in ClinVar:

NM_003718.5(CDK13):c.2564A>C (p.Asp855Ala)

Gene: CDK13 (cyclin dependent kinase 13; plus strand). Cytogenetic location: 7p14.1.
Variant type: single nucleotide variant.
Coding change: c.2564A>C on transcript NM_003718.5 (MANE Select); coding-DNA position 2564, A replaced by C.
Protein change: p.Asp855Ala; replaces aspartic acid 855 with alanine.
Molecular consequence: missense variant.
Genome position (GRCh38, 1-based): chr7:40,047,841, A>C. VCF-style: chr7-40047841-A-C. GRCh37 (hg19) VCF-style: chr7-40087440-A-C.
Other names: c.2564A>C, p.Asp855Ala (NM_031267.4); short protein forms D855A.
Identifiers: ClinVar variation 3391361 (VCV003391361.1).

ClinVar aggregate classification (germline): Uncertain significance (1 of 4 stars; one submission).

Conditions:
Congenital heart defects, dysmorphic facial features, and intellectual developmental disorder (CHDFIDD). Identifiers: Orphanet 646278, MedGen C4479246, MONDO:0044302, OMIM 617360.

Submission:

Neuberg Centre For Genomic Medicine, NCGM
Classification: Uncertain significance for Congenital heart defects, dysmorphic facial features, and intellectual developmental disorder. Last evaluated: 2023-07-22. Review status: criteria provided, single submitter. Criteria: ACMG Guidelines, 2015. Collection method: clinical testing. Allele origin: germline. Inheritance: Autosomal dominant inheritance. Affected: yes.
Comment: The missense variant c.2564A>C p.Asp855Ala in the CDK13 gene has not been reported previously as a pathogenic variant nor as a benign variant, to our knowledge. This variant is absent in the gnomAD Exomes. The amino acid Asp at position 855 is changed to a Ala changing protein sequence and it might alter its composition and physico-chemical properties. Multiple lines of computational evidence Polyphen - Damaging, SIFT - Damaging and MutationTaster - Disease causing predict a damaging effect on protein structure and function for this variant. The amino acid change p.Asp855Ala in CDK13 is predicted as conserved by GERP++ and PhyloP across 100 vertebrates. For these reasons, this variant has been classified as Uncertain Significance.